The following is an entry in ClinVar:

NM_005559.4(LAMA1):c.5828C>T (p.Ala1943Val)

Gene: LAMA1 (laminin subunit alpha 1; minus strand). Cytogenetic location: 18p11.31.
Variant type: single nucleotide variant.
Coding change: c.5828C>T on transcript NM_005559.4 (MANE Select); coding-DNA position 5828, C replaced by T.
Protein change: p.Ala1943Val; replaces alanine 1943 with valine.
Molecular consequence: missense variant.
Genome position (GRCh38, 1-based): chr18:6,982,559, G>A on the plus strand (C>T on the coding strand, the complement: LAMA1 is on the minus strand). VCF-style: chr18-6982559-G-A. GRCh37 (hg19) VCF-style: chr18-6982558-G-A.
Other names: short protein forms A1943V.
Identifiers: ClinVar variation 2082725 (VCV002082725.5), dbSNP rs149983454, ClinGen allele CA8881459.

ClinVar aggregate classification (germline): Uncertain significance. Review status: criteria provided, multiple submitters, no conflicts (2 of 4 stars). 2 submissions from 2 submitters: Uncertain significance (2). Last evaluated 2024-01-01.

Conditions:
Ataxia - intellectual disability - oculomotor apraxia - cerebellar cysts syndrome. Also called: Poretti-Boltshauser syndrome. Identifiers: Orphanet 370022, MedGen C4014821, MONDO:0014419, OMIM 615960.

Allele frequency attached by ClinVar (database versions not stated): gnomAD exomes below 0.00001; ExAC 0.00001; gnomAD 0.00001; TOPMed 0.00001; 1000 Genomes Project 30x 0.00016; 1000 Genomes Project 0.00020.
gnomAD v4.1: 6 of 1,614,130 alleles (0.00037%); highest among the groups gnomAD compares: African/African-American, 0.0027%; no homozygotes.

Submissions (2):

Daryl Scott Lab, Baylor College of Medicine
Classification: Uncertain significance for Ataxia - intellectual disability - oculomotor apraxia - cerebellar cysts syndrome. Last evaluated: 2024-01-01. Review status: criteria provided, single submitter. Criteria: ACMG Guidelines, 2015. Collection method: clinical testing. Allele origin: unknown. Observed: 1 heterozygote.
Comment: PM2

Labcorp Genetics (formerly Invitae), Labcorp
Classification: Uncertain significance. Last evaluated: 2022-01-06. Review status: criteria provided, single submitter. Criteria: Invitae Variant Classification Sherloc (09022015). Collection method: clinical testing. Allele origin: germline.
Comment: In summary, the available evidence is currently insufficient to determine the role of this variant in disease. Therefore, it has been classified as a Variant of Uncertain Significance. Algorithms developed to predict the effect of missense changes on protein structure and function output the following: SIFT: "Tolerated"; PolyPhen-2: "Benign"; Align-GVGD: "Class C0". The valine amino acid residue is found in multiple mammalian species, which suggests that this missense change does not adversely affect protein function. This variant has not been reported in the literature in individuals affected with LAMA1-related conditions. This variant is present in population databases (rs149983454, gnomAD 0.007%). This sequence change replaces alanine, which is neutral and non-polar, with valine, which is neutral and non-polar, at codon 1943 of the LAMA1 protein (p.Ala1943Val).